The following is an entry in ClinVar:

NM_001692.4(ATP6V1B1):c.-34C>T

Gene: ATP6V1B1 (ATPase H+ transporting V1 subunit B1; plus strand). Cytogenetic location: 2p13.3.
Variant type: single nucleotide variant.
Coding change: c.-34C>T on transcript NM_001692.4 (MANE Select); 34 bases upstream of the start codon, C replaced by T.
Molecular consequence: 5 prime UTR variant.
Genome position (GRCh38, 1-based): chr2:70,935,921, C>T. VCF-style: chr2-70935921-C-T. GRCh37 (hg19) VCF-style: chr2-71163051-C-T.
Identifiers: ClinVar variation 336915 (VCV000336915.9), dbSNP rs79652147, ClinGen allele CA1700800.

ClinVar aggregate classification (germline): Benign. Review status: criteria provided, multiple submitters, no conflicts (2 of 4 stars). 4 submissions from 4 submitters: Benign (4). Last evaluated 2021-07-10.

Conditions:
Renal tubular acidosis with progressive nerve deafness. Also called: RENAL TUBULAR ACIDOSIS, AUTOSOMAL RECESSIVE, WITH PROGRESSIVE NERVE DEAFNESS; RTA WITH PROGRESSIVE NERVE DEAFNESS; Distal Renal Tubular Acidosis with Progressive Sensorineural Deafness; renal tubular acidosis, distal, 2, with progressive sensorineural hearing loss. Identifiers: MedGen C0403554, MONDO:0009968, OMIM 267300.

Allele frequency attached by ClinVar (database versions not stated): gnomAD exomes 0.10126 and 0.11765; ESP Exome Variant Server 0.10927; TOPMed 0.11435; gnomAD 0.11515 and 0.11863; ExAC 0.12213; 1000 Genomes Project 30x 0.16771; 1000 Genomes Project 0.17153.
gnomAD v4.1: 164,244 of 1,587,016 alleles (10%); highest among the groups gnomAD compares: South Asian, 20%; 10,033 homozygotes.

Submissions (4):

Genome-Nilou Lab
Classification: Benign for Renal tubular acidosis with progressive nerve deafness. Last evaluated: 2021-07-10. Review status: criteria provided, single submitter. Criteria: ACMG Guidelines, 2015. Collection method: clinical testing. Allele origin: germline. Affected: no.

Illumina Laboratory Services, Illumina
Classification: Benign for Renal tubular acidosis with progressive nerve deafness. Last evaluated: 2018-01-12. Review status: criteria provided, single submitter. Criteria: ICSL Variant Classification Criteria 13 December 2019. Collection method: clinical testing. Allele origin: germline.
Comment: This variant was observed in the ICSL laboratory as part of a predisposition screen in an ostensibly healthy population. It had not been previously curated by ICSL or reported in the Human Gene Mutation Database (HGMD: prior to June 1st, 2018), and was therefore a candidate for classification through an automated scoring system. Utilizing variant allele frequency, disease prevalence and penetrance estimates, and inheritance mode, an automated score was calculated to assess if this variant is too frequent to cause the disease. Based on the score and internal cut-off values, a variant classified as benign is not then subjected to further curation. The score for this variant resulted in a classification of benign for this disease.

GeneDx
Classification: Benign. Last evaluated: 2017-05-09. Review status: criteria provided, single submitter. Criteria: GeneDx Variant Classification (06012015). Collection method: clinical testing. Allele origin: germline. Affected: yes.
Comment: This variant is considered likely benign or benign based on one or more of the following criteria: it is a conservative change, it occurs at a poorly conserved position in the protein, it is predicted to be benign by multiple in silico algorithms, and/or has population frequency not consistent with disease.

Breakthrough Genomics
Classification: Benign. Review status: criteria provided, single submitter. Criteria: ACMG Guidelines, 2015. Collection method: not provided. Allele origin: germline. Inheritance: Autosomal recessive inheritance. Affected: yes.